The following is an entry in ClinVar:

ClinVar aggregate classification (germline): Uncertain significance (1 of 4 stars; one submission).

gnomAD v4.1: 4 of 1,613,778 alleles (0.00025%); highest among the groups gnomAD compares: African/African-American, 0.0013%; no homozygotes.

Submission:

GeneDx
Classification: Uncertain significance. Last evaluated: 2024-07-21. Review status: criteria provided, single submitter. Criteria: GeneDx Variant Classification Process June 2021. Collection method: clinical testing. Allele origin: germline. Affected: yes.
Comment: Not observed at significant frequency in large population cohorts (gnomAD); In silico analysis supports that this missense variant has a deleterious effect on protein structure/function; Has not been previously published as pathogenic or benign to our knowledge

NM_000210.4(ITGA6):c.457C>T (p.Arg153Trp)

Genes: ITGA6 (integrin subunit alpha 6; plus strand), PDK1-AS1 (PDK1 and ITGA6 antisense RNA 1; minus strand). Cytogenetic location: 2q31.1.
Variant type: single nucleotide variant.
Coding change: c.457C>T on transcript NM_000210.4 (MANE Select); coding-DNA position 457, C replaced by T.
Protein change: p.Arg153Trp; replaces arginine 153 with tryptophan.
Molecular consequence: missense variant.
Genome position (GRCh38, 1-based): chr2:172,469,194, C>T. VCF-style: chr2-172469194-C-T. GRCh37 (hg19) VCF-style: chr2-173333922-C-T.
Other names: c.457C>T, p.Arg153Trp (NM_001079818.3, NM_001365529.2, NM_001365530.2 and 1 more transcripts); c.115C>T, p.Arg39Trp (NM_001316306.2); short protein forms R153W, R39W.
Identifiers: ClinVar variation 3600863 (VCV003600863.1).
Genomic context (GRCh38, chr2:172,469,194, plus strand): 5'-CACCGATATGAAAAAAGGCAGCATGTTAATACGAAGCAGGAATCCCGAGACATCTTTGGG[C>T]GGTGTTATGTCCTGAGTCAGAATCTCAGGATTGAAGACGATATGGATGGGGGAGATTGGA-3'
Protein context (NP_000201.2, residues 143-163): TKQESRDIFG[Arg153Trp]CYVLSQNLRI